The following is an entry in ClinVar:

ClinVar aggregate classification (germline): Uncertain significance (1 of 4 stars; one submission).

Conditions:
Combined immunodeficiency due to DOCK8 deficiency (HIES2). Also called: HIES autosomal recessive; Hyper-IgE recurrent infection syndrome, autosomal recessive; HYPER-IgE SYNDROME 2, AUTOSOMAL RECESSIVE, WITH RECURRENT INFECTIONS; DOCK8 Deficiency; HYPER-IgE RECURRENT INFECTION SYNDROME 2, AUTOSOMAL RECESSIVE. Identifiers: Orphanet 217390, MedGen C4722305, MONDO:0009478, OMIM 243700.

Allele frequency attached by ClinVar (database versions not stated): TOPMed below 0.00001; gnomAD 0.00001; gnomAD exomes 0.00001; ExAC 0.00002.
gnomAD v4.1: 7 of 1,613,980 alleles (0.00043%); highest among the groups gnomAD compares: African/African-American, 0.0013%; no homozygotes.

Submission:

Labcorp Genetics (formerly Invitae), Labcorp
Classification: Uncertain significance for Combined immunodeficiency due to DOCK8 deficiency. Last evaluated: 2021-09-01. Review status: criteria provided, single submitter. Criteria: Invitae Variant Classification Sherloc (09022015). Collection method: clinical testing. Allele origin: germline.
Comment: This sequence change replaces arginine with histidine at codon 857 of the DOCK8 protein (p.Arg857His). The arginine residue is moderately conserved and there is a small physicochemical difference between arginine and histidine. This variant is present in population databases (rs754604696, ExAC 0.01%). This variant has not been reported in the literature in individuals affected with DOCK8-related conditions. Algorithms developed to predict the effect of missense changes on protein structure and function are either unavailable or do not agree on the potential impact of this missense change (SIFT: "Deleterious"; PolyPhen-2: "Probably Damaging"; Align-GVGD: "Class C0"). In summary, the available evidence is currently insufficient to determine the role of this variant in disease. Therefore, it has been classified as a Variant of Uncertain Significance.

NM_203447.4(DOCK8):c.2570G>A (p.Arg857His)

Gene: DOCK8 (dedicator of cytokinesis 8; plus strand). Cytogenetic location: 9p24.3.
Variant type: single nucleotide variant.
Coding change: c.2570G>A on transcript NM_203447.4 (MANE Select); coding-DNA position 2570, G replaced by A.
Protein change: p.Arg857His; replaces arginine 857 with histidine.
Molecular consequence: missense variant.
Genome position (GRCh38, 1-based): chr9:379,900, G>A. VCF-style: chr9-379900-G-A. GRCh37 (hg19) VCF-style: chr9-379900-G-A.
Other names: c.2366G>A, p.Arg789His (NM_001190458.2, NM_001193536.2); short protein forms R857H, R789H.
Identifiers: ClinVar variation 952634 (VCV000952634.7), dbSNP rs754604696, ClinGen allele CA4958233.
Genomic context (GRCh38, chr9:379,900, plus strand): 5'-TGAGCAAGGACCAGCATGGGAGGAACTGCCTGCTGGCTTCCTACGTGCACTACGTCTTCC[G>A]CCTGCCAGAGGTGCAAAGGGATGTGCCCAAGTCAGGTAGAGTTGCCCTGAGTGTGGGACT-3'
Protein context (NP_982272.2, residues 847-867): LLASYVHYVF[Arg857His]LPEVQRDVPK